The following is an entry in ClinVar:

ClinVar aggregate classification (germline): Uncertain significance (1 of 4 stars; one submission).

Conditions:
DICER1-related tumor predisposition. Also called: DICER1-related pleuropulmonary blastoma cancer predisposition syndrome; DICER1 syndrome. Identifiers: Orphanet 284343, MedGen C3839822, MONDO:0100216.

Submission:

Labcorp Genetics (formerly Invitae), Labcorp
Classification: Uncertain significance for DICER1-related tumor predisposition. Last evaluated: 2023-04-11. Review status: criteria provided, single submitter. Criteria: Invitae Variant Classification Sherloc (09022015). Collection method: clinical testing. Allele origin: germline.
Comment: This sequence change falls in intron 18 of the DICER1 gene. It does not directly change the encoded amino acid sequence of the DICER1 protein. It affects a nucleotide within the consensus splice site. This variant is not present in population databases (gnomAD no frequency). This variant has not been reported in the literature in individuals affected with DICER1-related conditions. ClinVar contains an entry for this variant (Variation ID: 1015694). Variants that disrupt the consensus splice site are a relatively common cause of aberrant splicing (PMID: 17576681, 9536098). Algorithms developed to predict the effect of sequence changes on RNA splicing suggest that this variant is not likely to affect RNA splicing. In summary, the available evidence is currently insufficient to determine the role of this variant in disease. Therefore, it has been classified as a Variant of Uncertain Significance.

Literature cited by the submitters: PubMed 17576681; PubMed 9536098.

NM_177438.3(DICER1):c.2988-3C>T

Gene: DICER1 (dicer 1, ribonuclease III; minus strand). Cytogenetic location: 14q32.13.
Variant type: single nucleotide variant.
Coding change: c.2988-3C>T on transcript NM_177438.3 (MANE Select); 3 bases into the intron before coding-DNA position 2988, C replaced by T.
Molecular consequence: intron variant.
Genome position (GRCh38, 1-based): chr14:95,105,786, G>A on the plus strand (C>T on the coding strand, the complement: DICER1 is on the minus strand). VCF-style: chr14-95105786-G-A. GRCh37 (hg19) VCF-style: chr14-95572123-G-A.
Other names: c.2988-3C>T (NM_001291628.2, NM_030621.4, NM_001271282.3 and 1 more transcripts).
Identifiers: ClinVar variation 1015694 (VCV001015694.8), dbSNP rs1891364707, ClinGen allele CA2156307866.
Genomic context (GRCh38, chr14:95,105,786, plus strand): 5'-GCTTAAAGGAAGCGCTTTCCCCTTCTGATTCAAATGTCGAGGTGTCAAAAGATTAAGTCT[G>A]TAAGAATTCCAAAACAATTTTATCAAACACACAAAAATGAGTACATATTCACAGTGGTTC-3'